The following is an entry in ClinVar:

NM_001321759.2(CDIN1):c.401G>T (p.Gly134Val)

Gene: CDIN1 (CDAN1 interacting nuclease 1; plus strand). Cytogenetic location: 15q14.
Variant type: single nucleotide variant.
Coding change: c.401G>T on transcript NM_001321759.2 (MANE Select); coding-DNA position 401, G replaced by T.
Protein change: p.Gly134Val; replaces glycine 134 with valine.
Molecular consequence: missense variant.
Genome position (GRCh38, 1-based): chr15:36,691,739, G>T. VCF-style: chr15-36691739-G-T. GRCh37 (hg19) VCF-style: chr15-36983940-G-T.
Other names: c.401G>T, p.Gly134Val (NM_001130010.3, NM_001290233.2, NM_001321760.2 and 1 more transcripts); c.107G>T, p.Gly36Val (NM_001290232.2, NM_001321756.2, NM_032499.6); c.32G>T, p.Gly11Val (NM_001321757.2); c.290G>T, p.Gly97Val (NM_001321758.2); short protein forms G11V, G134V, G36V, G97V.
Identifiers: ClinVar variation 2075504 (VCV002075504.4), dbSNP rs1169952209, ClinGen allele CA391923611.

ClinVar aggregate classification (germline): Uncertain significance (1 of 4 stars; one submission).

Allele frequency attached by ClinVar (database versions not stated): gnomAD 0.00001; TOPMed below 0.00001.

Submission:

Labcorp Genetics (formerly Invitae), Labcorp
Classification: Uncertain significance. Last evaluated: 2022-06-24. Review status: criteria provided, single submitter. Criteria: Invitae Variant Classification Sherloc (09022015). Collection method: clinical testing. Allele origin: germline.
Comment: In summary, the available evidence is currently insufficient to determine the role of this variant in disease. Therefore, it has been classified as a Variant of Uncertain Significance. Algorithms developed to predict the effect of sequence changes on RNA splicing suggest that this variant may disrupt the consensus splice site. Algorithms developed to predict the effect of missense changes on protein structure and function (SIFT, PolyPhen-2, Align-GVGD) all suggest that this variant is likely to be tolerated. This sequence change replaces glycine, which is neutral and non-polar, with valine, which is neutral and non-polar, at codon 134 of the C15orf41 protein (p.Gly134Val). The frequency data for this variant in the population databases is considered unreliable, as metrics indicate poor data quality at this position in the gnomAD database. This variant has not been reported in the literature in individuals affected with C15orf41-related conditions.